The following is an entry in ClinVar:

NM_001089.3(ABCA3):c.3241C>T (p.Arg1081Trp)

Gene: ABCA3 (ATP binding cassette subfamily A member 3; minus strand). Cytogenetic location: 16p13.3.
Variant type: single nucleotide variant.
Coding change: c.3241C>T on transcript NM_001089.3 (MANE Select); coding-DNA position 3241, C replaced by T.
Protein change: p.Arg1081Trp; replaces arginine 1081 with tryptophan.
Molecular consequence: missense variant.
Genome position (GRCh38, 1-based): chr16:2,286,731, G>A on the plus strand (C>T on the coding strand, the complement: ABCA3 is on the minus strand). VCF-style: chr16-2286731-G-A. GRCh37 (hg19) VCF-style: chr16-2336732-G-A.
Other names: short protein forms R1081W.
Identifiers: ClinVar variation 885444 (VCV000885444.10), dbSNP rs369277188, ClinGen allele CA7840570.

ClinVar aggregate classification (germline): Conflicting classifications of pathogenicity. Review status: criteria provided, conflicting classifications (1 of 4 stars). 4 submissions from 4 submitters: Pathogenic (1); Likely pathogenic (1); Uncertain significance (1). 1 of the submissions does not count toward it. Last evaluated 2026-01-20.

Conditions:
Interstitial lung disease due to ABCA3 deficiency. Also called: PULMONARY ALVEOLAR PROTEINOSIS, CONGENITAL, 3. Identifiers: Orphanet 440402, MedGen C1970456, MONDO:0012582, OMIM 610921.

Allele frequency attached by ClinVar (database versions not stated): ESP Exome Variant Server 0.00008; TOPMed 0.00011.
gnomAD v4.1: 182 of 1,613,726 alleles (0.011%); highest among the groups gnomAD compares: Non-Finnish European, 0.014%; no homozygotes.

Submissions (4):

Labcorp Genetics (formerly Invitae), Labcorp
Classification: Pathogenic. Last evaluated: 2026-01-20. Review status: criteria provided, single submitter. Criteria: Invitae Variant Classification Sherloc (09022015). Collection method: clinical testing. Allele origin: germline.
Comment: This sequence change replaces arginine, which is basic and polar, with tryptophan, which is neutral and slightly polar, at codon 1081 of the ABCA3 protein (p.Arg1081Trp). This variant is present in population databases (rs369277188, gnomAD 0.01%). This missense change has been observed in individual(s) with autosomal recessive ABCA3-related conditions (PMID: 24871971, 32392962, 33359301). In at least one individual the data is consistent with being in trans (on the opposite chromosome) from a pathogenic variant. It has also been observed to segregate with disease in related individuals. ClinVar contains an entry for this variant (Variation ID: 885444). Invitae Evidence Modeling of protein sequence and biophysical properties (such as structural, functional, and spatial information, amino acid conservation, physicochemical variation, residue mobility, and thermodynamic stability) indicates that this missense variant is expected to disrupt ABCA3 protein function with a positive predictive value of 80%. For these reasons, this variant has been classified as Pathogenic.

Fulgent Genetics
Classification: Likely pathogenic for Interstitial lung disease due to ABCA3 deficiency. Last evaluated: 2024-03-02. Review status: criteria provided, single submitter. Criteria: ACMG Guidelines, 2015. Collection method: clinical testing. Allele origin: germline.

Illumina Laboratory Services, Illumina
Classification: Uncertain significance for Interstitial lung disease due to ABCA3 deficiency. Last evaluated: 2017-04-27. Review status: criteria provided, single submitter. Criteria: ICSL Variant Classification Criteria 13 December 2019. Collection method: clinical testing. Allele origin: germline.
Comment: This variant was observed as part of a predisposition screen in an ostensibly healthy population. A literature search was performed for the gene, cDNA change, and amino acid change (where applicable). Publications were found based on this search. However, the evidence from the literature, in combination with allele frequency data from public databases where available, was not sufficient to rule this variant in or out of causing disease. Therefore, this variant is classified as a variant of unknown significance.

Clinical Genomics Laboratory, Stanford Medicine
Classification: Uncertain significance for Interstitial lung disease due to ABCA3 deficiency. Last evaluated: 2018-10-03. Review status: no assertion criteria provided. Collection method: clinical testing. Allele origin: germline. Inheritance: Autosomal recessive inheritance. Affected: yes. Not counted in ClinVar's aggregate classification.
Comment: The p.Arg1081Trp variant in the ABCA3 gene has not been previously reported in association with disease. The p.Arg1081Trp variant has been identified in 9/126552 European chromosomes by the Genome Aggregation Database. Computational tools predict that the p.Arg1081Trp variant is deleterious; however, the accuracy of in silico algorithms is limited. These data were assessed using the ACMG/AMP variant interpretation guidelines. In summary, the significance of the p.Arg1081Trp variant is uncertain. Additional information is needed to resolve the significance of this variant. [ACMG evidence codes used: PM2, PP3].

Literature cited by the submitters: PubMed 24871971 (cited by Labcorp Genetics (formerly Invitae), Labcorp); PubMed 32392962 (cited by Labcorp Genetics (formerly Invitae), Labcorp); PubMed 33359301 (cited by Labcorp Genetics (formerly Invitae), Labcorp); PubMed 23166334 (cited by Illumina Laboratory Services, Illumina).